The following is an entry in ClinVar:

ClinVar aggregate classification (germline): Uncertain significance (1 of 4 stars; one submission).

Conditions:
KMT2B-related disorder. Also called: KMT2B-related condition; KMT2B-related disorders. Identifiers: MedGen CN381338.

Submission:

PreventionGenetics, part of Exact Sciences
Classification: Uncertain significance for KMT2B-related condition. Last evaluated: 2023-09-05. Review status: criteria provided, single submitter. Criteria: ACMG Guidelines, 2015. Collection method: clinical testing. Allele origin: germline.
Comment: The KMT2B c.3739C>T variant is predicted to result in the amino acid substitution p.Arg1247Cys. To our knowledge, this variant has not been reported in the literature or in a large population database, indicating this variant is rare. At this time, the clinical significance of this variant is uncertain due to the absence of conclusive functional and genetic evidence.

NM_014727.3(KMT2B):c.3739C>T (p.Arg1247Cys)

Gene: KMT2B (lysine methyltransferase 2B; plus strand). Cytogenetic location: 19q13.12.
Variant type: single nucleotide variant.
Coding change: c.3739C>T on transcript NM_014727.3 (MANE Select); coding-DNA position 3739, C replaced by T.
Protein change: p.Arg1247Cys; replaces arginine 1247 with cysteine.
Molecular consequence: missense variant.
Genome position (GRCh38, 1-based): chr19:35,725,575, C>T. VCF-style: chr19-35725575-C-T. GRCh37 (hg19) VCF-style: chr19-36216476-C-T.
Other names: short protein forms R1247C.
Identifiers: ClinVar variation 2631931 (VCV002631931.1), dbSNP rs2513331427, ClinGen allele CA405410350.